The following is an entry in ClinVar:

ClinVar aggregate classification (germline): Likely benign (1 of 4 stars; one submission).

Conditions:
Marfan syndrome (MFS). Also called: MARFAN SYNDROME, TYPE I; Marfan syndrome type 1; Marfan's syndrome; Marfan syndrome, classic; FBN1-Related Marfan Syndrome. Identifiers: Orphanet 284963, Orphanet 558, MedGen C0024796, MONDO:0007947, OMIM 154700.

Allele frequency attached by ClinVar (database versions not stated): gnomAD 0.00001; TOPMed below 0.00001.
gnomAD v4.1: 1 of 1,614,144 alleles (0.000062%); highest among the groups gnomAD compares: Middle Eastern, 0.016%; no homozygotes.

Submission:

All of Us Research Program, National Institutes of Health
Classification: Likely benign for Marfan syndrome. Last evaluated: 2023-06-26. Review status: criteria provided, single submitter. Criteria: ACMG Guidelines, 2015. Collection method: clinical testing. Allele origin: germline. Inheritance: Autosomal dominant inheritance. Observed: 2 variant alleles, 2 heterozygotes.
Comment: This study involves interpretation of variants in research participants for the purpose of population health screening. Participant phenotype was not available at the time of variant classification. Additional details can be found in publication PMID: 35346344, PMCID: PMC8962531

NM_000138.5(FBN1):c.2937C>T (p.Ala979=)

Gene: FBN1 (fibrillin 1; minus strand). Cytogenetic location: 15q21.1.
Variant type: single nucleotide variant.
Coding change: c.2937C>T on transcript NM_000138.5 (MANE Select); coding-DNA position 2937, C replaced by T.
Protein change: p.Ala979=; no amino-acid change (alanine 979 retained).
Molecular consequence: synonymous variant.
Genome position (GRCh38, 1-based): chr15:48,489,996, G>A on the plus strand (C>T on the coding strand, the complement: FBN1 is on the minus strand). VCF-style: chr15-48489996-G-A. GRCh37 (hg19) VCF-style: chr15-48782193-G-A.
Other names: c.2937C>T, p.Ala979= (NM_001406716.1).
Identifiers: ClinVar variation 3070319 (VCV003070319.1), dbSNP rs2043543946, ClinGen allele CA490310914.
Genomic context (GRCh38, chr15:48,489,996, plus strand): 5'-TCTCATGGGACACTCCTCGCATTCCTCAGTACCCCAGGCTGCCCCGACGGAGCAGCAGCA[G>A]GCGTCCATGCGGTGGCGGCCAGCAATAGGCAGGGTGCACTCCTCGTCCTCGTACCTCAGG-3'
Protein context (NP_000129.3, residues 969-989): LPIAGRHRMD[Ala979=]CCCSVGAAWG